The following is an entry in ClinVar:

ClinVar aggregate classification (germline): Uncertain significance (1 of 4 stars; one submission).

Conditions:
RYR1-related disorder. Also called: RYR1-related condition; RYR1-related disorders. Identifiers: MedGen CN239331.

Submission:

Labcorp Genetics (formerly Invitae), Labcorp
Classification: Uncertain significance for RYR1-related disorder. Last evaluated: 2022-07-19. Review status: criteria provided, single submitter. Criteria: Invitae Variant Classification Sherloc (09022015). Collection method: clinical testing. Allele origin: germline.
Comment: This sequence change replaces lysine, which is basic and polar, with glutamic acid, which is acidic and polar, at codon 2837 of the RYR1 protein (p.Lys2837Glu). This variant is not present in population databases (gnomAD no frequency). This variant has not been reported in the literature in individuals affected with RYR1-related conditions. ClinVar contains an entry for this variant (Variation ID: 1044997). Advanced modeling of protein sequence and biophysical properties (such as structural, functional, and spatial information, amino acid conservation, physicochemical variation, residue mobility, and thermodynamic stability) performed at Invitae indicates that this missense variant is not expected to disrupt RYR1 protein function. In summary, the available evidence is currently insufficient to determine the role of this variant in disease. Therefore, it has been classified as a Variant of Uncertain Significance.

NM_000540.3(RYR1):c.8509A>G (p.Lys2837Glu)

Genes: RYR1 (ryanodine receptor 1; plus strand), LOC126862902 (BRD4-independent group 4 enhancer GRCh37_chr19:38995830-38997029; plus strand). Cytogenetic location: 19q13.2.
Variant type: single nucleotide variant.
Coding change: c.8509A>G on transcript NM_000540.3 (MANE Select); coding-DNA position 8509, A replaced by G.
Protein change: p.Lys2837Glu; replaces lysine 2837 with glutamic acid.
Molecular consequence: missense variant.
Genome position (GRCh38, 1-based): chr19:38,505,914, A>G. VCF-style: chr19-38505914-A-G. GRCh37 (hg19) VCF-style: chr19-38996554-A-G.
Other names: c.8509A>G, p.Lys2837Glu (NM_001042723.2); short protein forms K2837E.
Identifiers: ClinVar variation 1044997 (VCV001044997.6), dbSNP rs1970424294, ClinGen allele CA405678922.